The following is an entry in ClinVar:

NM_001130987.2(DYSF):c.4015G>T (p.Val1339Phe)

Gene: DYSF (dysferlin; plus strand). Cytogenetic location: 2p13.2.
Variant type: single nucleotide variant.
Coding change: c.4015G>T on transcript NM_001130987.2 (MANE Select); coding-DNA position 4015, G replaced by T.
Protein change: p.Val1339Phe; replaces valine 1339 with phenylalanine.
Molecular consequence: missense variant.
Genome position (GRCh38, 1-based): chr2:71,611,302, G>T. VCF-style: chr2-71611302-G-T. GRCh37 (hg19) VCF-style: chr2-71838432-G-T.
Other names: c.3964G>T, p.Val1322Phe (NM_001130455.2, NM_001130983.2); c.3919G>T, p.Val1307Phe (NM_001130976.2, NM_001130977.2); c.3961G>T, p.Val1321Phe (NM_001130978.2, NM_003494.4); c.4054G>T, p.Val1352Phe (NM_001130979.2); c.4012G>T, p.Val1338Phe (NM_001130980.2, NM_001130981.2); c.4057G>T, p.Val1353Phe (NM_001130982.2); c.3922G>T, p.Val1308Phe (NM_001130984.2, NM_001130986.2); c.4015G>T, p.Val1339Phe (NM_001130985.2); short protein forms V1339F, V1321F, V1322F, V1338F, V1308F, V1352F, V1353F, V1307F.
Identifiers: ClinVar variation 288941 (VCV000288941.10), dbSNP rs767889531, ClinGen allele CA1706840.

ClinVar aggregate classification (germline): Uncertain significance. Review status: criteria provided, multiple submitters, no conflicts (2 of 4 stars). 5 submissions from 5 submitters: Uncertain significance (4). 1 of the submissions does not count toward it. Last evaluated 2025-11-24.

Conditions:
Neuromuscular disease caused by qualitative or quantitative defects of dysferlin. Also called: Dysferlinopathy; Qualitative or quantitative defects of dysferlin. Identifiers: Orphanet 207073, MedGen C2931687, MONDO:0016145.
Autosomal recessive limb-girdle muscular dystrophy type 2B (LGMDR2). Also called: Limb-Girdle Muscular Dystrophy Type 2B (LGMD2B); Limb-girdle muscular dystrophy, type 2B; MUSCULAR DYSTROPHY, LIMB-GIRDLE, TYPE 3; MUSCULAR DYSTROPHY, LIMB-GIRDLE, AUTOSOMAL RECESSIVE 2. Identifiers: Orphanet 268, MedGen C1850889, MONDO:0009676, OMIM 253601.
Inborn genetic diseases. Identifiers: MedGen C0950123, MeSH D030342.
Autosomal recessive limb-girdle muscular dystrophy. Identifiers: Orphanet 102015, MedGen C2931907, MONDO:0015152.

Allele frequency attached by ClinVar (database versions not stated): gnomAD 0.00003; ExAC 0.00006; gnomAD exomes 0.00006.
gnomAD v4.1: 21 of 1,613,904 alleles (0.0013%); highest among the groups gnomAD compares: Admixed American, 0.035%; no homozygotes.

Submissions (5):

Ambry Genetics
Classification: Uncertain significance for Inborn genetic diseases. Last evaluated: 2025-11-24. Review status: criteria provided, single submitter. Criteria: Ambry Variant Classification Scheme 2023. Collection method: clinical testing. Allele origin: germline.

Myriad Genetics, Inc.
Classification: Uncertain significance for Autosomal recessive limb-girdle muscular dystrophy. Last evaluated: 2025-09-12. Review status: criteria provided, single submitter. Criteria: Myriad Autosomal Dominant, Autosomal Recessive and X-Linked Classification Criteria (2023). Collection method: clinical testing. Allele origin: unknown.
Comment: NM_003494.3(DYSF):c.3961G>T(V1321F) is a missense variant classified as a variant of uncertain significance in the context of dysferlinopathy. V1321F has not been observed in cases with relevant disease. Relevant functional assessments of this variant are not available in the literature. V1321F has been observed in referenced population frequency databases. In summary, there is insufficient evidence to classify NM_003494.3(DYSF):c.3961G>T(V1321F) as pathogenic or benign. Please note: this variant was assessed in the context of healthy population screening.

Labcorp Genetics (formerly Invitae), Labcorp
Classification: Uncertain significance for Neuromuscular disease caused by qualitative or quantitative defects of dysferlin. Last evaluated: 2022-08-19. Review status: criteria provided, single submitter. Criteria: Invitae Variant Classification Sherloc (09022015). Collection method: clinical testing. Allele origin: germline.
Comment: This sequence change replaces valine, which is neutral and non-polar, with phenylalanine, which is neutral and non-polar, at codon 1321 of the DYSF protein (p.Val1321Phe). This variant is present in population databases (rs767889531, gnomAD 0.05%). This variant has not been reported in the literature in individuals affected with DYSF-related conditions. ClinVar contains an entry for this variant (Variation ID: 288941). Algorithms developed to predict the effect of missense changes on protein structure and function are either unavailable or do not agree on the potential impact of this missense change (SIFT: "Deleterious"; PolyPhen-2: "Possibly Damaging"; Align-GVGD: "Class C0"). In summary, the available evidence is currently insufficient to determine the role of this variant in disease. Therefore, it has been classified as a Variant of Uncertain Significance.

Eurofins Ntd Llc (ga)
Classification: Uncertain significance. Last evaluated: 2016-06-23. Review status: criteria provided, single submitter. Criteria: EGL Classification Definitions 2015. Collection method: clinical testing. Allele origin: germline. Observed: 1 variant allele, 1 heterozygote.

Natera, Inc.
Classification: Uncertain significance for Limb-girdle muscular dystrophy type 2B. Last evaluated: 2019-10-28. Review status: no assertion criteria provided. Collection method: clinical testing. Allele origin: germline. Not counted in ClinVar's aggregate classification.